The following is an entry in ClinVar:

NM_004100.5(EYA4):c.1894C>G (p.Gln632Glu)

Genes: EYA4 (EYA transcriptional coactivator and phosphatase 4; plus strand), TARID (TCF21 antisense RNA inducing promoter demethylation; minus strand). Cytogenetic location: 6q23.2.
Variant type: single nucleotide variant.
Coding change: c.1894C>G on transcript NM_004100.5 (MANE Select); coding-DNA position 1894, C replaced by G.
Protein change: p.Gln632Glu; replaces glutamine 632 with glutamic acid.
Molecular consequence: missense variant.
Genome position (GRCh38, 1-based): chr6:133,528,779, C>G. VCF-style: chr6-133528779-C-G. GRCh37 (hg19) VCF-style: chr6-133849917-C-G.
Other names: c.1732C>G, p.Gln578Glu (NM_001301012.2); c.1912C>G, p.Gln638Glu (NM_001301013.2); c.1825C>G, p.Gln609Glu (NM_001370458.1, NM_172103.4); c.1750C>G, p.Gln584Glu (NM_001370459.1); c.1894C>G, p.Gln632Glu (NM_172105.4); short protein forms Q578E, Q584E, Q609E, Q632E, Q638E.
Identifiers: ClinVar variation 3846927 (VCV003846927.1).
Genomic context (GRCh38, chr6:133,528,779, plus strand): 5'-ACACAGCACAACATGCCCTTCTGGAGGATATCCAGTCACTCAGACCTCCTGGCTCTCCAC[C>G]AAGCACTGGAATTAGAGTATTTGTAACTGTGTTCTTTAGCCGGAGATCCATTTTTTATAT-3'
Protein context (NP_004091.3, residues 622-639): SSHSDLLALH[Gln632Glu]ALELEYL

ClinVar aggregate classification (germline): Uncertain significance (1 of 4 stars; one submission).

Conditions:
Cardiovascular phenotype. Identifiers: MedGen CN230736.

Submission:

Ambry Genetics
Classification: Uncertain significance for Cardiovascular phenotype. Last evaluated: 2024-12-13. Review status: criteria provided, single submitter. Criteria: Ambry Variant Classification Scheme 2023. Collection method: clinical testing. Allele origin: germline.
Comment: The p.Q632E variant (also known as c.1894C>G), located in coding exon 19 of the EYA4 gene, results from a C to G substitution at nucleotide position 1894. The glutamine at codon 632 is replaced by glutamic acid, an amino acid with highly similar properties. This amino acid position is conserved. In addition, the in silico prediction for this alteration is inconclusive. Based on the available evidence, the clinical significance of this variant remains unclear.